The following is an entry in ClinVar:

NM_000051.4(ATM):c.6218T>A (p.Leu2073His)

Genes: C11orf65 (chromosome 11 open reading frame 65; minus strand), ATM (ATM serine/threonine kinase; plus strand). Cytogenetic location: 11q22.3.
Variant type: single nucleotide variant.
Coding change: c.6218T>A on transcript NM_000051.4 (MANE Select); coding-DNA position 6218, T replaced by A.
Protein change: p.Leu2073His; replaces leucine 2073 with histidine.
Molecular consequence: missense variant. On other transcripts: intron variant (2).
Genome position (GRCh38, 1-based): chr11:108,317,392, T>A. VCF-style: chr11-108317392-T-A. GRCh37 (hg19) VCF-style: chr11-108188119-T-A.
Other names: c.6218T>A, p.Leu2073His (NM_001351834.2); c.641-8321A>T (NM_001330368.2); c.*39-8321A>T (NM_001351110.2); short protein forms L2073H.
Identifiers: ClinVar variation 2092646 (VCV002092646.4), dbSNP rs1555114582, ClinGen allele CA382551105.
Genomic context (GRCh38, chr11:108,317,392, plus strand): 5'-CTTTGATTACTTAACTTAAAAACAAAATAACTCCTGTTTAGGCCTTGCAGAATTTGGGAC[T>A]CTGCCATATTCTTTCCGTCTATTTAAAAGGATTGGATTATGAAAATAAAGACTGGTGTCC-3'
Protein context (NP_000042.3, residues 2063-2083): GIIQALQNLG[Leu2073His]CHILSVYLKG

ClinVar aggregate classification (germline): Uncertain significance (1 of 4 stars; one submission).

Conditions:
Ataxia-telangiectasia syndrome (AT). Also called: ATAXIA-TELANGIECTASIA, COMPLEMENTATION GROUP A; ATAXIA-TELANGIECTASIA, FRESNO VARIANT; Ataxia-telangiectasia; Ataxia-telangiectasia, complementation group E; LOUIS-BAR SYNDROME; Cerebello-oculocutaneous telangiectasia. Identifiers: Orphanet 100, MedGen C0004135, MONDO:0008840, OMIM 208900.

Submission:

Labcorp Genetics (formerly Invitae), Labcorp
Classification: Uncertain significance for Ataxia-telangiectasia syndrome. Last evaluated: 2022-02-03. Review status: criteria provided, single submitter. Criteria: Invitae Variant Classification Sherloc (09022015). Collection method: clinical testing. Allele origin: germline.
Comment: In summary, the available evidence is currently insufficient to determine the role of this variant in disease. Therefore, it has been classified as a Variant of Uncertain Significance. Advanced modeling of protein sequence and biophysical properties (such as structural, functional, and spatial information, amino acid conservation, physicochemical variation, residue mobility, and thermodynamic stability) performed at Invitae indicates that this missense variant is not expected to disrupt ATM protein function. This variant has not been reported in the literature in individuals affected with ATM-related conditions. This variant is not present in population databases (gnomAD no frequency). This sequence change replaces leucine, which is neutral and non-polar, with histidine, which is basic and polar, at codon 2073 of the ATM protein (p.Leu2073His).